The following is an entry in ClinVar:

ClinVar aggregate classification (germline): Uncertain significance (1 of 4 stars; one submission).

Conditions:
Inborn genetic diseases. Identifiers: MedGen C0950123, MeSH D030342.

gnomAD v4.1: 1 of 1,603,440 alleles (0.000062%); highest among the groups gnomAD compares: Non-Finnish European, 0.000085%; no homozygotes.

Submission:

Ambry Genetics
Classification: Uncertain significance for Inborn genetic diseases. Last evaluated: 2026-08-10. Review status: criteria provided, single submitter. Criteria: Ambry Variant Classification Scheme 2023. Collection method: clinical testing. Allele origin: germline.
Comment: The p.L414S variant (also known as c.1241T>C), located in coding exon 10 of the FANCG gene, results from a T to C substitution at nucleotide position 1241. The leucine at codon 414 is replaced by serine, an amino acid with dissimilar properties. This amino acid position is conserved. In addition, this alteration is predicted to be tolerated by in silico analysis. Based on the available evidence, the clinical significance of this variant remains unclear.

NM_004629.2(FANCG):c.1241T>C (p.Leu414Ser)

Gene: FANCG (FA complementation group G; minus strand). Cytogenetic location: 9p13.3.
Variant type: single nucleotide variant.
Coding change: c.1241T>C on transcript NM_004629.2 (MANE Select); coding-DNA position 1241, T replaced by C.
Protein change: p.Leu414Ser; replaces leucine 414 with serine.
Molecular consequence: missense variant.
Genome position (GRCh38, 1-based): chr9:35,075,657, A>G on the plus strand (T>C on the coding strand, the complement: FANCG is on the minus strand). VCF-style: chr9-35075657-A-G. GRCh37 (hg19) VCF-style: chr9-35075654-A-G.
Other names: short protein forms L414S.
Identifiers: ClinVar variation 5036528 (VCV005036528.1).